The following is an entry in ClinVar:

NM_001127198.5(TMC6):c.1083-57C>G

Gene: TMC6 (transmembrane channel like 6; minus strand). Cytogenetic location: 17q25.3.
Variant type: single nucleotide variant.
Coding change: c.1083-57C>G on transcript NM_001127198.5 (MANE Select); 57 bases into the intron before coding-DNA position 1083, C replaced by G.
Molecular consequence: intron variant.
Genome position (GRCh38, 1-based): chr17:78,122,806, G>C on the plus strand (C>G on the coding strand, the complement: TMC6 is on the minus strand). VCF-style: chr17-78122806-G-C. GRCh37 (hg19) VCF-style: chr17-76118887-G-C.
Other names: c.1083-57C>G (NM_001374594.1, NM_001374596.1, NM_001374593.1 and 4 more transcripts).
Identifiers: ClinVar variation 1273917 (VCV001273917.4), dbSNP rs1474865, ClinGen allele CA294352609.

ClinVar aggregate classification (germline): Benign. Review status: criteria provided, multiple submitters, no conflicts (2 of 4 stars). 3 submissions from 3 submitters: Benign (3). Last evaluated 2024-01-24.

Allele frequency attached by ClinVar (database versions not stated): 1000 Genomes Project 30x 0.14522; 1000 Genomes Project 0.14637; TOPMed 0.12384.
gnomAD v4.1: 190,615 of 1,581,414 alleles (12%); highest among the groups gnomAD compares: South Asian, 15%; 11,957 homozygotes.

Submissions (3):

Unidad de Genómica Garrahan, Hospital de Pediatría Garrahan
Classification: Benign. Last evaluated: 2024-01-24. Review status: criteria provided, single submitter. Criteria: ACMG Guidelines, 2015. Collection method: clinical testing. Allele origin: germline. Affected: no. Observed: 21 variant alleles.
Comment: This variant is classified as Benign based on local population frequency. This variant was detected in 24% of patients studied by a panel of primary immunodeficiencies. Number of patients: 21. Only high quality variants are reported.

GeneDx
Classification: Benign. Last evaluated: 2018-07-09. Review status: criteria provided, single submitter. Criteria: GeneDx Variant Classification Process June 2021. Collection method: clinical testing. Allele origin: germline. Affected: yes.

Breakthrough Genomics
Classification: Benign. Review status: criteria provided, single submitter. Criteria: ACMG Guidelines, 2015. Collection method: not provided. Allele origin: germline. Inheritance: Autosomal recessive inheritance. Affected: yes.